The following is an entry in ClinVar:

ClinVar aggregate classification (germline): Likely benign. Review status: criteria provided, multiple submitters, no conflicts (2 of 4 stars). 5 submissions from 5 submitters: Likely benign (5). Last evaluated 2025-12-03.

Conditions:
Cardiovascular phenotype. Identifiers: MedGen CN230736.
ALPK3-related disorder. Also called: ALPK3-related condition.

Allele frequency attached by ClinVar (database versions not stated): gnomAD exomes 0.00001; gnomAD 0.00005 and 0.00006; TOPMed 0.00007.
gnomAD v4.1: 37 of 1,614,036 alleles (0.0023%); highest among the groups gnomAD compares: African/African-American, 0.024%; no homozygotes.

Submissions (5):

Labcorp Genetics (formerly Invitae), Labcorp
Classification: Likely benign. Last evaluated: 2025-12-03. Review status: criteria provided, single submitter. Criteria: Invitae Variant Classification Sherloc (09022015). Collection method: clinical testing. Allele origin: germline.

PreventionGenetics, part of Exact Sciences
Classification: Likely benign for ALPK3-related condition. Last evaluated: 2025-06-13. Review status: criteria provided, single submitter. Criteria: ACMG Guidelines, 2015. Collection method: clinical testing. Allele origin: germline.
Comment: This variant is classified as likely benign based on ACMG/AMP sequence variant interpretation guidelines (Richards et al. 2015 PMID: 25741868, with internal and published modifications).

CeGaT Center for Human Genetics Tuebingen
Classification: Likely benign. Last evaluated: 2022-12-01. Review status: criteria provided, single submitter. Criteria: CeGaT Center For Human Genetics Tuebingen Variant Classification Criteria Version 2. Collection method: clinical testing. Allele origin: germline. Affected: yes. Observed: 1 variant allele.
Comment: ALPK3: BP4, BP7

Ambry Genetics
Classification: Likely benign for Cardiovascular phenotype. Last evaluated: 2019-07-17. Review status: criteria provided, single submitter. Criteria: Ambry Variant Classification Scheme 2023. Collection method: clinical testing. Allele origin: germline.

Breakthrough Genomics
Classification: Likely benign. Review status: criteria provided, single submitter. Criteria: ACMG Guidelines, 2015. Collection method: not provided. Allele origin: germline. Inheritance: Autosomal recessive inheritance. Affected: yes.

NM_020778.5(ALPK3):c.4890G>A (p.Ala1630=)

Gene: ALPK3 (alpha kinase 3; plus strand). Cytogenetic location: 15q25.3.
Variant type: single nucleotide variant.
Coding change: c.4890G>A on transcript NM_020778.5 (MANE Select); coding-DNA position 4890, G replaced by A.
Protein change: p.Ala1630=; no amino-acid change (alanine 1630 retained).
Molecular consequence: synonymous variant.
Genome position (GRCh38, 1-based): chr15:84,868,228, G>A. VCF-style: chr15-84868228-G-A. GRCh37 (hg19) VCF-style: chr15-85411459-G-A.
Identifiers: ClinVar variation 1602803 (VCV001602803.36), dbSNP rs966573820, ClinGen allele CA273635566.
Genomic context (GRCh38, chr15:84,868,228, plus strand): 5'-CCACCAGTGCAATGCCTACTGTGAGCTGCTGGGGCTGACACCTCTCAAGGGCCCGGAGGC[G>A]GCCCACCCCCAAGCCAAAGCCAAAGGCTCTAAGAGTCCATCTGCTGGCAGGAAAGGCTCC-3'
Protein context (NP_065829.4, residues 1620-1640): LGLTPLKGPE[Ala1630=]AHPQAKAKGS